The following is an entry in ClinVar:

NM_014864.4(FAM20B):c.1122C>T (p.Ala374=)

Gene: FAM20B (FAM20B glycosaminoglycan xylosylkinase; plus strand). Cytogenetic location: 1q25.2.
Variant type: single nucleotide variant.
Coding change: c.1122C>T on transcript NM_014864.4 (MANE Select); coding-DNA position 1122, C replaced by T.
Protein change: p.Ala374=; no amino-acid change (alanine 374 retained).
Molecular consequence: synonymous variant.
Genome position (GRCh38, 1-based): chr1:179,072,036, C>T. VCF-style: chr1-179072036-C-T. GRCh37 (hg19) VCF-style: chr1-179041171-C-T.
Other names: c.1122C>T, p.Ala374= (NM_001324310.2, NM_001324311.2).
Identifiers: ClinVar variation 4681279 (VCV004681279.5).

ClinVar aggregate classification (germline): Likely benign (1 of 4 stars; one submission).

gnomAD v4.1: 8,217 of 1,614,132 alleles (0.51%); highest among the groups gnomAD compares: Non-Finnish European, 0.63%; 39 homozygotes.

Submission:

CeGaT Center for Human Genetics Tuebingen
Classification: Likely benign. Last evaluated: 2025-12-01. Review status: criteria provided, single submitter. Criteria: CeGaT Center For Human Genetics Tuebingen Variant Classification Criteria Version 2. Collection method: clinical testing. Allele origin: germline. Affected: yes. Observed: 1 variant allele.
Comment: FAM20B: BP4, BP7, BS2